The following is an entry in ClinVar:

NC_000016.9:g.(?_89811357)_(89815185_?)del

Gene: FANCA (FA complementation group A; minus strand). Cytogenetic location: 16q24.3.
Variant type: Deletion.
Identifiers: ClinVar variation 1066577 (VCV001066577.7).

ClinVar aggregate classification (germline): Pathogenic (1 of 4 stars; one submission).

Conditions:
Fanconi anemia (FA). Also called: Fanconi's anemia. Identifiers: Orphanet 84, MedGen C0015625, MeSH D005199, MONDO:0019391.

Submission:

Labcorp Genetics (formerly Invitae), Labcorp
Classification: Pathogenic for Fanconi anemia. Last evaluated: 2022-01-27. Review status: criteria provided, single submitter. Criteria: Invitae Variant Classification Sherloc (09022015). Collection method: clinical testing. Allele origin: germline.
Comment: This variant is a gross deletion of the genomic region encompassing exon(s) 33-36 of the FANCA gene. This variant would be expected to be in-frame, preserving the integrity of the reading frame. A similar copy number variant has been observed in individual(s) with Fanconi anemia (PMID: 32487094). In at least one individual the data is consistent with being in trans (on the opposite chromosome) from a pathogenic variant. This variant disrupts a region of the FANCA protein in which other variant(s) (p.Arg1117Gly) have been determined to be pathogenic (PMID: 9371798, 10373536, 11739169, 22778927, 24349332). This suggests that this is a clinically significant region of the protein, and that variants that disrupt it are likely to be disease-causing. For these reasons, this variant has been classified as Pathogenic.

Literature cited by the submitters: PubMed 32487094; PubMed 9371798; PubMed 10373536; PubMed 11739169; PubMed 22778927; PubMed 24349332.